The following is an entry in ClinVar:

NC_000011.10:g.5857379G>C

Genes: OR52E8 (olfactory receptor family 52 subfamily E member 8; minus strand), TRIM5 (tripartite motif containing 5; minus strand). Cytogenetic location: 11p15.4.
Variant type: single nucleotide variant.
Molecular consequence: missense variant (on NM_001005168.3).
Genome position: GRCh38 VCF-style: chr11-5857379-G-C. GRCh37 (hg19) VCF-style: chr11-5878609-G-C.
Other names: c.312C>G, p.Phe104Leu (NM_001005168.3); short protein forms F104L.
Identifiers: ClinVar variation 2641544 (VCV002641544.24), dbSNP rs148345924, ClinGen allele CA5847687.

ClinVar aggregate classification (germline): Likely benign (1 of 4 stars; one submission).

Allele frequency attached by ClinVar (database versions not stated): 1000 Genomes Project 30x 0.00203; 1000 Genomes Project 0.00240; gnomAD 0.00367; TOPMed 0.00377; gnomAD exomes 0.00387; ESP Exome Variant Server 0.00403; ExAC 0.00422.
gnomAD v4.1: 6,349 of 1,610,242 alleles (0.39%); highest among the groups gnomAD compares: Middle Eastern, 1.2%; 61 homozygotes.

Submission:

CeGaT Center for Human Genetics Tuebingen
Classification: Likely benign. Last evaluated: 2023-07-01. Review status: criteria provided, single submitter. Criteria: CeGaT Center For Human Genetics Tuebingen Variant Classification Criteria Version 2. Collection method: clinical testing. Allele origin: germline. Affected: yes. Observed: 2 variant alleles.
Comment: TRIM5: BS2